The following is an entry in ClinVar:

ClinVar aggregate classification (germline): Uncertain significance (1 of 4 stars; one submission).

Allele frequency attached by ClinVar (database versions not stated): gnomAD exomes below 0.00001; gnomAD 0.00001; TOPMed 0.00001.

Submission:

Labcorp Genetics (formerly Invitae), Labcorp
Classification: Uncertain significance. Last evaluated: 2022-08-12. Review status: criteria provided, single submitter. Criteria: Invitae Variant Classification Sherloc (09022015). Collection method: clinical testing. Allele origin: germline.
Comment: This sequence change affects codon 31 of the MICAL1 mRNA. It is a 'silent' change, meaning that it does not change the encoded amino acid sequence of the MICAL1 protein. This variant is not present in population databases (gnomAD no frequency). This variant has not been reported in the literature in individuals affected with MICAL1-related conditions. Algorithms developed to predict the effect of sequence changes on RNA splicing suggest that this variant may create or strengthen a splice site. In summary, the available evidence is currently insufficient to determine the role of this variant in disease. Therefore, it has been classified as a Variant of Uncertain Significance.

NM_022765.4(MICAL1):c.36C>T (p.Ala12=)

Gene: MICAL1 (microtubule associated monooxygenase, calponin and LIM domain containing 1; minus strand). Cytogenetic location: 6q21.
Variant type: single nucleotide variant.
Coding change: c.36C>T on transcript NM_022765.4 (MANE Select); coding-DNA position 36, C replaced by T.
Protein change: p.Ala12=; no amino-acid change (alanine 12 retained).
Molecular consequence: synonymous variant.
Genome position (GRCh38, 1-based): chr6:109,454,161, G>A on the plus strand (C>T on the coding strand, the complement: MICAL1 is on the minus strand). VCF-style: chr6-109454161-G-A. GRCh37 (hg19) VCF-style: chr6-109775364-G-A.
Other names: c.36C>T, p.Ala12= (NM_001159291.2); c.93C>T, p.Ala31= (NM_001286613.2).
Identifiers: ClinVar variation 1959551 (VCV001959551.5), dbSNP rs1454282611, ClinGen allele CA451912569.
Genomic context (GRCh38, chr6:109,454,161, plus strand): 5'-CTCCTGGAAGCTGCTCAGCACGTCCTGGCACAGCTGGGCCTGCAGGAAGCTCTCAAAGTG[G>A]GCATGCGCTGGGTTGGTGGAGGTAGGTGAAGCCATGGAGGCCTCCTGGGGAGGGCAGCAG-3'
Protein context (NP_073602.3, residues 2-22): ASPTSTNPAH[Ala12=]HFESFLQAQL